The following is an entry in ClinVar:

ClinVar aggregate classification (germline): Conflicting classifications of pathogenicity. Review status: criteria provided, conflicting classifications (1 of 4 stars). 5 submissions from 5 submitters: Uncertain significance (2); Likely benign (3). Last evaluated 2026-05-08.

Conditions:
LRP5-related disorder. Also called: LRP5-related condition.
Osteogenesis imperfecta (OI). Identifiers: Orphanet 666, MedGen C0029434, MeSH D010013, MONDO:0019019.

Submissions (5):

PreventionGenetics, part of Exact Sciences
Classification: Likely benign for LRP5-related condition. Last evaluated: 2026-05-08. Review status: criteria provided, single submitter. Criteria: ACMG Guidelines, 2015. Collection method: clinical testing. Allele origin: germline.
Comment: This variant is classified as likely benign based on ACMG/AMP sequence variant interpretation guidelines (Richards et al. 2015 PMID: 25741868, with internal and published modifications).

Labcorp Genetics (formerly Invitae), Labcorp
Classification: Likely benign. Last evaluated: 2026-01-24. Review status: criteria provided, single submitter. Criteria: Invitae Variant Classification Sherloc (09022015). Collection method: clinical testing. Allele origin: germline.

Blueprint Genetics
Classification: Likely benign. Last evaluated: 2024-10-09. Review status: criteria provided, single submitter. Criteria: ACMG Guidelines, 2015. Collection method: clinical testing. Allele origin: germline.

Genome Diagnostics Laboratory, The Hospital for Sick Children
Classification: Uncertain significance for Osteogenesis imperfecta. Last evaluated: 2021-10-21. Review status: criteria provided, single submitter. Criteria: ACMG Guidelines, 2015. Collection method: clinical testing. Allele origin: germline.

Eurofins Ntd Llc (ga)
Classification: Uncertain significance. Last evaluated: 2016-03-31. Review status: criteria provided, single submitter. Criteria: EGL Classification Definitions 2015. Collection method: clinical testing. Allele origin: germline. Observed: 1 variant allele, 1 heterozygote.

Literature cited by the submitters: PubMed 19177549 (cited by Eurofins Ntd Llc (ga)).

NM_002335.4(LRP5):c.34CTG[7] (p.Leu19_Leu20del)

Gene: LRP5 (LDL receptor related protein 5; plus strand). Cytogenetic location: 11q13.2.
Variant type: Microsatellite.
Coding change: c.34CTG[7] on transcript NM_002335.4 (MANE Select); seven copies in a row of the 3-base unit CTG starting at c.34; the reference has nine copies in a row; two copies, 6 bases deleted.
Protein change: p.Leu19_Leu20del.
Molecular consequence: inframe deletion. On other transcripts: 5 prime UTR variant (1).
Genome position (GRCh38, 1-based): chr11:68,312,769-68,312,774, CTGCTG deleted; deleting any 6 consecutive bases within chr11:68,312,747-68,312,774 gives the same sequence; the position shown is the placement nearest the transcript's 3' end. VCF-style (leftmost placement, unchanged base first): chr11-68312746-CGCTGCT-C. GRCh37 (hg19) VCF-style: chr11-68080214-CGCTGCT-C.
Other names: c.55_60del6 (NM_002335.3); c.-1732CTG[7] (NM_001291902.2).
Identifiers: ClinVar variation 286883 (VCV000286883.18), dbSNP rs72555376, ClinGen allele CA10605604.